The following is an entry in ClinVar:

ClinVar aggregate classification (germline): Uncertain significance (1 of 4 stars; one submission).

Conditions:
Ataxia-telangiectasia syndrome (AT). Also called: Ataxia-telangiectasia, complementation group D; AT, COMPLEMENTATION GROUP C; Ataxia-telangiectasia; Ataxia telangiectasia (A-T); LOUIS-BAR SYNDROME; Cerebello-oculocutaneous telangiectasia. Identifiers: Orphanet 100, MedGen C0004135, MONDO:0008840, OMIM 208900.

Submission:

Labcorp Genetics (formerly Invitae), Labcorp
Classification: Uncertain significance for Ataxia-telangiectasia syndrome. Last evaluated: 2025-10-07. Review status: criteria provided, single submitter. Criteria: Invitae Variant Classification Sherloc (09022015). Collection method: clinical testing. Allele origin: germline.
Comment: This sequence change replaces leucine, which is neutral and non-polar, with valine, which is neutral and non-polar, at codon 1283 of the ATM protein (p.Leu1283Val). This variant is not present in population databases (gnomAD no frequency). This variant has not been reported in the literature in individuals affected with ATM-related conditions. Invitae Evidence Modeling of protein sequence and biophysical properties (such as structural, functional, and spatial information, amino acid conservation, physicochemical variation, residue mobility, and thermodynamic stability) indicates that this missense variant is not expected to disrupt ATM protein function with a negative predictive value of 95%. This variant disrupts the p.Leu1283 amino acid residue in ATM. Other variant(s) that disrupt this residue have been determined to be pathogenic (PMID: 30128536, 31341520, 35284771). This suggests that this residue is clinically significant, and that variants that disrupt this residue are likely to be disease-causing. In summary, the available evidence is currently insufficient to determine the role of this variant in disease. Therefore, it has been classified as a Variant of Uncertain Significance.

Literature cited by the submitters: PubMed 30128536; PubMed 31341520; PubMed 35284771.

NM_000051.4(ATM):c.3847C>G (p.Leu1283Val)

Gene: ATM (ATM serine/threonine kinase; plus strand). Cytogenetic location: 11q22.3.
Variant type: single nucleotide variant.
Coding change: c.3847C>G on transcript NM_000051.4 (MANE Select); coding-DNA position 3847, C replaced by G.
Protein change: p.Leu1283Val; replaces leucine 1283 with valine.
Molecular consequence: missense variant.
Genome position (GRCh38, 1-based): chr11:108,284,327, C>G. VCF-style: chr11-108284327-C-G. GRCh37 (hg19) VCF-style: chr11-108155054-C-G.
Other names: c.3847C>G, p.Leu1283Val (NM_001351834.2); short protein forms L1283V.
Identifiers: ClinVar variation 4747206 (VCV004747206.1).